The following is an entry in ClinVar:

ClinVar aggregate classification (germline): Likely pathogenic (1 of 4 stars; one submission).

Conditions:
Glycogen storage disease type III (GSD3). Also called: FORBES DISEASE; Cori disease. Identifiers: Orphanet 366, MedGen C0017922, MONDO:0009291, OMIM 232400.

Submission:

Myriad Genetics, Inc.
Classification: Likely pathogenic for Glycogen storage disease type III. Last evaluated: 2022-02-17. Review status: criteria provided, single submitter. Criteria: Myriad Women's Health Autosomal Recessive and X-Linked Classification Criteria (2021). Collection method: clinical testing. Allele origin: unknown.
Comment: NM_000642.2(AGL):c.2623A>T(K875*) is expected to be pathogenic in the context of glycogen storage disease type III. This variant is predicted to lead to an abnormal or absent protein product due to the creation of a premature termination codon in AGL, a gene where loss-of-function variants are known to be pathogenic. Please note: this variant was assessed in the context of healthy population screening.

NM_000642.3(AGL):c.2623A>T (p.Lys875Ter)

Gene: AGL (amylo-alpha-1,6-glucosidase and 4-alpha-glucanotransferase; plus strand). Cytogenetic location: 1p21.2.
Variant type: single nucleotide variant.
Coding change: c.2623A>T on transcript NM_000642.3 (MANE Select); coding-DNA position 2623, A replaced by T.
Protein change: p.Lys875Ter; replaces lysine 875 with a stop codon.
Molecular consequence: nonsense.
Genome position (GRCh38, 1-based): chr1:99,884,645, A>T. VCF-style: chr1-99884645-A-T. GRCh37 (hg19) VCF-style: chr1-100350201-A-T.
Other names: c.2623A>T, p.Lys875Ter (NM_000028.3, NM_000643.3, NM_000644.3 and 2 more transcripts); c.2575A>T, p.Lys859Ter (NM_000646.3); c.2422A>T, p.Lys808Ter (NM_001425327.1); c.2419A>T, p.Lys807Ter (NM_001425328.1); c.2245A>T, p.Lys749Ter (NM_001425332.1); short protein forms K859*, K875*, K749*, K807*, K808*.
Identifiers: ClinVar variation 1724463 (VCV001724463.2), dbSNP rs750932668, ClinGen allele CA341321802.
Genomic context (GRCh38, chr1:99,884,645, plus strand): 5'-CATGCACAAGTCGCTGTTGGAATTCTTCGAAATCATCTGACACAATTCAGTCCTCACTTT[A>T]AATCTGGCAGCCTAGCTGTTGACAATGCAGATCCTATATTAAAAATTCCTTTTGCTTCGT-3'